The following is an entry in ClinVar:

NM_018127.7(ELAC2):c.1574G>T (p.Cys525Phe)

Gene: ELAC2 (elaC ribonuclease Z 2; minus strand). Cytogenetic location: 17p12.
Variant type: single nucleotide variant.
Coding change: c.1574G>T on transcript NM_018127.7 (MANE Select); coding-DNA position 1574, G replaced by T.
Protein change: p.Cys525Phe; replaces cysteine 525 with phenylalanine.
Molecular consequence: missense variant.
Genome position (GRCh38, 1-based): chr17:12,996,632, C>A on the plus strand (G>T on the coding strand, the complement: ELAC2 is on the minus strand). VCF-style: chr17-12996632-C-A. GRCh37 (hg19) VCF-style: chr17-12899949-C-A.
Other names: c.1454G>T, p.Cys485Phe (NM_001165962.2); c.1571G>T, p.Cys524Phe (NM_173717.2); short protein forms C485F, C524F, C525F.
Identifiers: ClinVar variation 5017697 (VCV005017697.1).

ClinVar aggregate classification (germline): Uncertain significance (1 of 4 stars; one submission).

gnomAD v4.1: 2 of 1,613,898 alleles (0.00012%); highest among the groups gnomAD compares: African/African-American, 0.0027%; no homozygotes.

Submission:

GeneDx
Classification: Uncertain significance. Last evaluated: 2026-04-02. Review status: criteria provided, single submitter. Criteria: GeneDx Variant Classification Process June 2021. Collection method: clinical testing. Allele origin: germline.
Comment: Not observed at significant frequency in large population cohorts (gnomAD); In silico analysis supports that this missense variant has a deleterious effect on protein structure/function; Has not been previously published as pathogenic or benign to our knowledge